The following is an entry in ClinVar:

NM_001111.5(ADAR):c.2080-11T>G

Gene: ADAR (adenosine deaminase RNA specific; minus strand). Cytogenetic location: 1q21.3.
Variant type: single nucleotide variant.
Coding change: c.2080-11T>G on transcript NM_001111.5 (MANE Select); 11 bases into the intron before coding-DNA position 2080, T replaced by G.
Molecular consequence: intron variant.
Genome position (GRCh38, 1-based): chr1:154,597,006, A>C on the plus strand (T>G on the coding strand, the complement: ADAR is on the minus strand). VCF-style: chr1-154597006-A-C. GRCh37 (hg19) VCF-style: chr1-154569482-A-C.
Other names: c.1195-11T>G (NM_001365046.1, NM_001025107.3, NM_001365048.1 and 3 more transcripts); c.2107-11T>G (NM_001365045.1); c.2080-68T>G (NM_015841.4); c.2080-11T>G (NM_015840.4).
Identifiers: ClinVar variation 2924583 (VCV002924583.3), dbSNP rs1305538708, ClinGen allele CA526666301.

ClinVar aggregate classification (germline): Uncertain significance (1 of 4 stars; one submission).

Conditions:
Symmetrical dyschromatosis of extremities (DSH). Also called: RETICULATE ACROPIGMENTATION OF DOHI; SYMMETRIC DYSCHROMATOSIS OF THE EXTREMITIES; DYSCHROMATOSIS SYMMETRICA HEREDITARIA 1; Dyschromatosis symmetrica hereditaria. Identifiers: Orphanet 41, MedGen C0406775, MONDO:0007483, OMIM 127400.
Aicardi-Goutieres syndrome 6 (AGS6). Identifiers: Orphanet 51, MedGen C3539013, MONDO:0014007, OMIM 615010.

Allele frequency attached by ClinVar (database versions not stated): TOPMed below 0.00001; gnomAD 0.00001; gnomAD exomes 0.00001.
gnomAD v4.1: 4 of 1,614,064 alleles (0.00025%); highest among the groups gnomAD compares: South Asian, 0.0022%; no homozygotes.

Submission:

Labcorp Genetics (formerly Invitae), Labcorp
Classification: Uncertain significance for Aicardi-Goutieres syndrome 6; Symmetrical dyschromatosis of extremities. Last evaluated: 2023-02-01. Review status: criteria provided, single submitter. Criteria: Invitae Variant Classification Sherloc (09022015). Collection method: clinical testing. Allele origin: germline.
Comment: In summary, the available evidence is currently insufficient to determine the role of this variant in disease. Therefore, it has been classified as a Variant of Uncertain Significance. This sequence change falls in intron 5 of the ADAR gene. It does not directly change the encoded amino acid sequence of the ADAR protein. This variant is present in population databases (no rsID available, gnomAD 0.003%). This variant has not been reported in the literature in individuals affected with ADAR-related conditions. Algorithms developed to predict the effect of sequence changes on RNA splicing suggest that this variant may disrupt the consensus splice site.